The following is an entry in ClinVar:

NM_001110556.2(FLNA):c.6937G>A (p.Glu2313Lys)

Gene: FLNA (filamin A; minus strand). Cytogenetic location: Xq28.
Variant type: single nucleotide variant.
Coding change: c.6937G>A on transcript NM_001110556.2 (MANE Select); coding-DNA position 6937, G replaced by A.
Protein change: p.Glu2313Lys; replaces glutamic acid 2313 with lysine.
Molecular consequence: missense variant.
Genome position (GRCh38, 1-based): chrX:154,351,667, C>T on the plus strand (G>A on the coding strand, the complement: FLNA is on the minus strand). VCF-style: chrX-154351667-C-T. GRCh37 (hg19) VCF-style: chrX-153580035-C-T.
Other names: c.6913G>A (NM_001456.3); c.6913G>A, p.Glu2305Lys (NM_001456.4); short protein forms E2313K, E2305K.
Identifiers: ClinVar variation 585873 (VCV000585873.13), dbSNP rs782129661, ClinGen allele CA10559986.
Genomic context (GRCh38, chrX:154,351,667, plus strand): 5'-GGGCGTCGCCAGACGGAGAAGCCACAGGCACCACGAAGGGGCTGTCGGGAATGTGTTCCT[C>T]GTTGAACTTGACTGAGACTTCGTAGTCACCTGGGCAGGGAAAGAGTGTAAGACCGGCTCA-3'
Protein context (NP_001104026.1, residues 2303-2323): GDYEVSVKFN[Glu2313Lys]EHIPDSPFVV

ClinVar aggregate classification (germline): Conflicting classifications of pathogenicity. Review status: criteria provided, conflicting classifications (1 of 4 stars). 4 submissions from 4 submitters: Uncertain significance (3); Likely benign (1). Last evaluated 2026-01-28.

Conditions:
Melnick-Needles syndrome (MNS). Also called: Melnick-Needles Syndrome (FLNA-MNS); MELNICK-NEEDLES OSTEODYSPLASTY; OSTEODYSPLASTY OF MELNICK AND NEEDLES. Identifiers: Orphanet 2484, MedGen C0025237, MONDO:0010650, OMIM 309350.
Frontometaphyseal dysplasia (FMD1). Identifiers: Orphanet 1826, MedGen C0265293, MONDO:0015942.
Heterotopia, periventricular, X-linked dominant (PVNH1). Also called: PERIVENTRICULAR NODULAR HETEROTOPIA 1; X-linked periventricular heterotopia; PERIVENTRICULAR NODULAR HETEROTOPIA 4; HETEROTOPIA, PERIVENTRICULAR, 1. Identifiers: Orphanet 2149, Orphanet 82004, MedGen C1848213, MONDO:0010233, OMIM 300049.
Oto-palato-digital syndrome, type II (OPD2). Also called: Otopalatodigital Syndrome Type 2 (FLNA-OPD2); FACIOPALATOOSSEOUS SYNDROME; Otopalatodigital Syndrome, Type II; OPD II SYNDROME. Identifiers: Orphanet 669, Orphanet 90652, MedGen C1844696, MONDO:0010571, OMIM 304120.

Allele frequency attached by ClinVar (database versions not stated): gnomAD exomes below 0.00001 and 0.00001; gnomAD 0.00001; TOPMed 0.00001; ExAC 0.00002.

Submissions (4):

Labcorp Genetics (formerly Invitae), Labcorp
Classification: Likely benign for Oto-palato-digital syndrome, type II; Heterotopia, periventricular, X-linked dominant; Frontometaphyseal dysplasia; Melnick-Needles syndrome. Last evaluated: 2026-01-28. Review status: criteria provided, single submitter. Criteria: Invitae Variant Classification Sherloc (09022015). Collection method: clinical testing. Allele origin: germline.

GeneDx
Classification: Uncertain significance. Last evaluated: 2025-05-23. Review status: criteria provided, single submitter. Criteria: GeneDx Variant Classification Process June 2021. Collection method: clinical testing. Allele origin: germline. Affected: yes.
Comment: In silico analysis supports that this missense variant has a deleterious effect on protein structure/function; Has not been previously published as pathogenic or benign to our knowledge

Blueprint Genetics
Classification: Uncertain significance. Last evaluated: 2021-03-17. Review status: criteria provided, single submitter. Criteria: ACMG Guidelines, 2015. Collection method: clinical testing. Allele origin: germline.

Athena Diagnostics
Classification: Uncertain significance. Last evaluated: 2018-03-12. Review status: criteria provided, single submitter. Criteria: Athena Diagnostics Criteria. Collection method: clinical testing. Allele origin: germline.